The following is an entry in ClinVar:

NM_004517.4(ILK):c.707A>G (p.Asn236Ser)

Genes: ILK (integrin linked kinase; plus strand), TAF10 (TATA-box binding protein associated factor 10; minus strand). Cytogenetic location: 11p15.4.
Variant type: single nucleotide variant.
Coding change: c.707A>G on transcript NM_004517.4 (MANE Select); coding-DNA position 707, A replaced by G.
Protein change: p.Asn236Ser; replaces asparagine 236 with serine.
Molecular consequence: missense variant. On other transcripts: 3 prime UTR variant (1).
Genome position (GRCh38, 1-based): chr11:6,609,387, A>G. VCF-style: chr11-6609387-A-G. GRCh37 (hg19) VCF-style: chr11-6630618-A-G.
Other names: c.707A>G, p.Asn236Ser (NM_001014794.3, NM_001014795.3); c.524A>G, p.Asn175Ser (NM_001278441.2); c.305A>G, p.Asn102Ser (NM_001278442.2); c.*1535T>C (NM_006284.4); short protein forms N236S, N175S, N102S.
Identifiers: ClinVar variation 449745 (VCV000449745.26), dbSNP rs145571020, ClinGen allele CA5858148.

ClinVar aggregate classification (germline): Conflicting classifications of pathogenicity. Review status: criteria provided, conflicting classifications (1 of 4 stars). 4 submissions from 4 submitters: Uncertain significance (1); Likely benign (3). Last evaluated 2025-12-27.

Conditions:
Primary familial hypertrophic cardiomyopathy (HCM). Identifiers: Orphanet 99739, MedGen C0949658, MeSH D024741, MONDO:0024573. Inheritance: Various modes of inheritance.

Allele frequency attached by ClinVar (database versions not stated): ESP Exome Variant Server 0.00008; gnomAD exomes 0.00017 and 0.00031; gnomAD 0.00018 and 0.00021; ExAC 0.00032; TOPMed 0.00035; 1000 Genomes Project 0.00060; 1000 Genomes Project 30x 0.00094.
gnomAD v4.1: 291 of 1,614,014 alleles (0.018%); highest among the groups gnomAD compares: East Asian, 0.18%; no homozygotes.

Submissions (4):

Labcorp Genetics (formerly Invitae), Labcorp
Classification: Likely benign for Primary familial hypertrophic cardiomyopathy. Last evaluated: 2025-12-27. Review status: criteria provided, single submitter. Criteria: Invitae Variant Classification Sherloc (09022015). Collection method: clinical testing. Allele origin: germline.

GeneDx
Classification: Uncertain significance. Last evaluated: 2025-09-10. Review status: criteria provided, single submitter. Criteria: GeneDx Variant Classification Process June 2021. Collection method: clinical testing. Allele origin: germline. Affected: yes.
Comment: Has not been previously published as pathogenic or benign to our knowledge; In silico analysis supports that this missense variant has a deleterious effect on protein structure/function; Variants in candidate genes are classified as variants of uncertain significance in accordance with ACMG guidelines (PMID: 25741868)

Blueprint Genetics
Classification: Likely benign. Last evaluated: 2024-08-26. Review status: criteria provided, single submitter. Criteria: ACMG Guidelines, 2015. Collection method: clinical testing. Allele origin: germline.

ARUP Laboratories, Molecular Genetics and Genomics, ARUP Laboratories
Classification: Likely benign. Last evaluated: 2017-12-13. Review status: criteria provided, single submitter. Criteria: ARUP Molecular Germline Variant Investigation Process. Collection method: clinical testing. Allele origin: germline.
Comment: The p.Asn236Ser variant (rs145571020) has not been reported in the medical literature, gene specific variation databases, nor has it been previously identified by our laboratory. This variant is listed in the Genome Aggregation Database (gnomAD) with a frequency of 0.3 percent in the East Asian population (identified on 55 out of 18,868 chromosomes). The asparagine at position 236 is highly conserved up to zebrafish considering 13 species (Alamut v2.10) and computational analyses of the effects of the p.Asn236Ser variant on protein structure and function provide conflicting results (SIFT: tolerated, MutationTaster: disease causing, PolyPhen-2:benign). Given the overabundance of the p.Asn236Ser variant in the general population, it is considered likely benign.